The following is an entry in ClinVar:

ClinVar aggregate classification (germline): Pathogenic. Review status: criteria provided, multiple submitters, no conflicts (2 of 4 stars). 4 submissions from 4 submitters: Pathogenic (4). Last evaluated 2025-12-15.

Conditions:
Neuromuscular disease caused by qualitative or quantitative defects of dysferlin. Also called: Dysferlinopathy; Qualitative or quantitative defects of dysferlin. Identifiers: Orphanet 207073, MedGen C2931687, MONDO:0016145.
Miyoshi muscular dystrophy 1 (MMD1). Identifiers: Orphanet 45448, MedGen C4551973, MONDO:0024545, OMIM 254130.

Submissions (4):

Labcorp Genetics (formerly Invitae), Labcorp
Classification: Pathogenic for Neuromuscular disease caused by qualitative or quantitative defects of dysferlin. Last evaluated: 2025-12-15. Review status: criteria provided, single submitter. Criteria: Invitae Variant Classification Sherloc (09022015). Collection method: clinical testing. Allele origin: germline.
Comment: This sequence change creates a premature translational stop signal (p.Phe954Valfs*2) in the DYSF gene. It is expected to result in an absent or disrupted protein product. Loss-of-function variants in DYSF are known to be pathogenic (PMID: 17698709, 20301480). This variant is not present in population databases (gnomAD no frequency). This premature translational stop signal has been observed in individual(s) with limb-girdle muscular dystrophy (PMID: 16010686, 17070050, 19309282). It has also been observed to segregate with disease in related individuals. ClinVar contains an entry for this variant (Variation ID: 871470). For these reasons, this variant has been classified as Pathogenic.

Baylor Genetics
Classification: Pathogenic for Miyoshi muscular dystrophy 1. Last evaluated: 2023-10-22. Review status: criteria provided, single submitter. Criteria: ACMG Guidelines, 2015. Collection method: clinical testing. Allele origin: unknown.

Revvity Omics, Revvity
Classification: Pathogenic. Last evaluated: 2022-06-14. Review status: criteria provided, single submitter. Criteria: ACMG Guidelines, 2015. Collection method: clinical testing. Allele origin: germline.

CeGaT Center for Human Genetics Tuebingen
Classification: Pathogenic. Last evaluated: 2018-10-01. Review status: criteria provided, single submitter. Criteria: CeGaT Center For Human Genetics Tuebingen Variant Classification Criteria Version 2. Collection method: clinical testing. Allele origin: germline. Affected: yes. Observed: 1 variant allele.

Literature cited by the submitters: PubMed 17698709 (cited by Labcorp Genetics (formerly Invitae), Labcorp); PubMed 20301480 (cited by Labcorp Genetics (formerly Invitae), Labcorp); PubMed 16010686 (cited by Labcorp Genetics (formerly Invitae), Labcorp); PubMed 17070050 (cited by Labcorp Genetics (formerly Invitae), Labcorp); PubMed 19309282 (cited by Labcorp Genetics (formerly Invitae), Labcorp).

NM_001130987.2(DYSF):c.2912dup (p.Phe972fs)

Gene: DYSF (dysferlin; plus strand). Cytogenetic location: 2p13.2.
Variant type: Duplication.
Coding change: c.2912dup on transcript NM_001130987.2 (MANE Select); coding-DNA position 2912, one base duplicated (T; older notation c.2912dupT).
Protein change: p.Phe972fs; shifts the reading frame from phenylalanine 972.
Molecular consequence: frameshift variant.
Genome position (GRCh38, 1-based): chr2:71,569,867, T duplicated. VCF-style (leftmost placement, unchanged base first): chr2-71569866-G-GT. GRCh37 (hg19) VCF-style: chr2-71796996-G-GT.
Other names: c.2861dup, p.Phe955fs (NM_001130455.2, NM_001130983.2); c.2816dup, p.Phe940fs (NM_001130976.2, NM_001130977.2); c.2858dup, p.Phe954fs (NM_001130978.2, NM_003494.4); c.2951dup, p.Phe985fs (NM_001130979.2); c.2909dup, p.Phe971fs (NM_001130980.2, NM_001130981.2); c.2954dup, p.Phe986fs (NM_001130982.2); c.2819dup, p.Phe941fs (NM_001130984.2, NM_001130986.2); c.2912dup, p.Phe972fs (NM_001130985.2); short protein forms F940fs, F941fs, F972fs, F954fs, F985fs, F955fs, F971fs, F986fs.
Identifiers: ClinVar variation 871470 (VCV000871470.52), dbSNP rs2092323164, ClinGen allele CA915941059.
Genomic context (GRCh38, chr2:71,569,866, plus strand): 5'-GCCCTCCTCCACAGTCTGCTCCATGACATGGACGCCGGTCACCTGAGCTTCGTGGAAGAG[G>GT]TGTTTGAGAACCAGACCCGGCTTCCCGGAGGCCAGTGGATCTACATGAGTGACAACTACA-3'